The following is an entry in ClinVar:

NM_014292.5(CBX6):c.417G>T (p.Pro139=)

Gene: CBX6 (chromobox 6; minus strand). Cytogenetic location: 22q13.1.
Variant type: single nucleotide variant.
Coding change: c.417G>T on transcript NM_014292.5 (MANE Select); coding-DNA position 417, G replaced by T.
Protein change: p.Pro139=; no amino-acid change (proline 139 retained).
Molecular consequence: synonymous variant.
Genome position (GRCh38, 1-based): chr22:38,867,031, C>A on the plus strand (G>T on the coding strand, the complement: CBX6 is on the minus strand). VCF-style: chr22-38867031-C-A. GRCh37 (hg19) VCF-style: chr22-39263036-C-A.
Other names: c.363G>T, p.Pro121= (NM_001303494.2).
Identifiers: ClinVar variation 3772217 (VCV003772217.13).
Genomic context (GRCh38, chr22:38,867,031, plus strand): 5'-GATGCGCACCGTCTCCGAGAAGGGCGAAATGGGCGGGCGCAGTCCGGGGCTGCCCCCCTG[C>A]GGGTCCGGGCGGGGCAGGGGACGGCGGGACATACGGTGGCAGCGGCGGATGTCCTTCTTG-3'
Protein context (NP_055107.3, residues 129-149): MSRRPLPRPD[Pro139=]QGGSPGLRPP

ClinVar aggregate classification (germline): Likely benign (1 of 4 stars; one submission).

gnomAD v4.1: 11 of 1,603,710 alleles (0.00069%); highest among the groups gnomAD compares: South Asian, 0.0011%; no homozygotes.

Submission:

CeGaT Center for Human Genetics Tuebingen
Classification: Likely benign. Last evaluated: 2025-01-01. Review status: criteria provided, single submitter. Criteria: CeGaT Center For Human Genetics Tuebingen Variant Classification Criteria Version 2. Collection method: clinical testing. Allele origin: germline. Affected: yes. Observed: 1 variant allele.
Comment: CBX6: BP4, BP7